The following is an entry in ClinVar:

NM_000057.4(BLM):c.1841C>T (p.Ala614Val)

Gene: BLM (BLM RecQ like helicase; plus strand). Cytogenetic location: 15q26.1.
Variant type: single nucleotide variant.
Coding change: c.1841C>T on transcript NM_000057.4 (MANE Select); coding-DNA position 1841, C replaced by T.
Protein change: p.Ala614Val; replaces alanine 614 with valine.
Molecular consequence: missense variant.
Genome position (GRCh38, 1-based): chr15:90,761,214, C>T. VCF-style: chr15-90761214-C-T. GRCh37 (hg19) VCF-style: chr15-91304444-C-T.
Other names: c.1841C>T (NM_000057.2); c.1841C>T, p.Ala614Val (NM_001287246.2, NM_001287247.2); c.716C>T, p.Ala239Val (NM_001287248.2); short protein forms A239V, A614V.
Identifiers: ClinVar variation 857110 (VCV000857110.14), dbSNP rs1285727934, ClinGen allele CA393843956.

ClinVar aggregate classification (germline): Uncertain significance. Review status: criteria provided, multiple submitters, no conflicts (2 of 4 stars). 4 submissions from 4 submitters: Uncertain significance (3). 1 of the submissions does not count toward it. Last evaluated 2024-11-30.

Conditions:
Bloom syndrome (BLM). Also called: Bloom-Torre-Machacek syndrome. Identifiers: Orphanet 125, MedGen C0005859, MONDO:0008876, OMIM 210900.
Hereditary cancer-predisposing syndrome. Also called: Tumor predisposition; Hereditary neoplastic syndrome; Neoplastic Syndromes, Hereditary; Hereditary Cancer Syndrome. Identifiers: Orphanet 140162, MedGen C0027672, MeSH D009386, MONDO:0015356.

Allele frequency attached by ClinVar (database versions not stated): gnomAD 0.00001; TOPMed 0.00001.

Submissions (4):

Quest Diagnostics Nichols Institute San Juan Capistrano
Classification: Uncertain significance. Last evaluated: 2024-11-30. Review status: criteria provided, single submitter. Criteria: Quest Diagnostics criteria. Collection method: clinical testing. Allele origin: unknown.
Comment: The BLM c.1841C>T (p.Ala614Val) variant has not been reported in individuals with BLM-related conditions in the published literature. The frequency of this variant in the general population, 0.0000052 (1/191230 chromosomes (Genome Aggregation Database)), is uninformative in the assessment of its pathogenicity. Analysis of this variant using bioinformatics tools for the prediction of the effect of amino acid changes on protein structure and function yielded predictions that this variant is benign. Based on the available information, we are unable to determine the clinical significance of this variant.

Ambry Genetics
Classification: Uncertain significance for Hereditary cancer-predisposing syndrome. Last evaluated: 2024-06-06. Review status: criteria provided, single submitter. Criteria: Ambry Variant Classification Scheme 2023. Collection method: clinical testing. Allele origin: germline.
Comment: The p.A614V variant (also known as c.1841C>T), located in coding exon 6 of the BLM gene, results from a C to T substitution at nucleotide position 1841. The alanine at codon 614 is replaced by valine, an amino acid with similar properties. This amino acid position is conserved. In addition, this alteration is predicted to be tolerated by in silico analysis. Since supporting evidence is limited at this time, the clinical significance of this alteration remains unclear.

Labcorp Genetics (formerly Invitae), Labcorp
Classification: Uncertain significance for Bloom syndrome. Last evaluated: 2022-06-20. Review status: criteria provided, single submitter. Criteria: Invitae Variant Classification Sherloc (09022015). Collection method: clinical testing. Allele origin: germline.
Comment: This sequence change replaces alanine, which is neutral and non-polar, with valine, which is neutral and non-polar, at codon 614 of the BLM protein (p.Ala614Val). This variant is not present in population databases (gnomAD no frequency). This variant has not been reported in the literature in individuals affected with BLM-related conditions. ClinVar contains an entry for this variant (Variation ID: 857110). Algorithms developed to predict the effect of missense changes on protein structure and function output the following: SIFT: "Tolerated"; PolyPhen-2: "Benign"; Align-GVGD: "Class C0". The valine amino acid residue is found in multiple mammalian species, which suggests that this missense change does not adversely affect protein function. In summary, the available evidence is currently insufficient to determine the role of this variant in disease. Therefore, it has been classified as a Variant of Uncertain Significance.

Natera, Inc.
Classification: Uncertain significance for Bloom syndrome. Last evaluated: 2020-11-24. Review status: no assertion criteria provided. Collection method: clinical testing. Allele origin: germline. Not counted in ClinVar's aggregate classification.